The following is an entry in ClinVar:

NM_001482.3(GATM):c.-13C>T

Genes: GATM (glycine amidinotransferase; minus strand), LOC130056991 (ATAC-STARR-seq lymphoblastoid silent region 6406; plus strand). Cytogenetic location: 15q21.1.
Variant type: single nucleotide variant.
Coding change: c.-13C>T on transcript NM_001482.3 (MANE Select); 13 bases upstream of the start codon, C replaced by T.
Molecular consequence: 5 prime UTR variant. On other transcripts: intron variant (1).
Genome position (GRCh38, 1-based): chr15:45,378,466, G>A on the plus strand (C>T on the coding strand, the complement: GATM is on the minus strand). VCF-style: chr15-45378466-G-A. GRCh37 (hg19) VCF-style: chr15-45670664-G-A.
Other names: c.-318-1647C>T (NM_001321015.2).
Identifiers: ClinVar variation 385507 (VCV000385507.1), dbSNP rs559008396, ClinGen allele CA7543029.
Genomic context (GRCh38, chr15:45,378,466, plus strand): 5'-CGCCTCGGCGCCGCGGCTCCCGCCGCGCAGACACCGCACCCGCAGCATCGCCCTGGCCCG[G>A]CTGGTCCACGCGCGGAATGTTCCTGGCCTCTGGGCCGCGTCGGTCCAAGCCTTCCCGAGA-3'

ClinVar aggregate classification (germline): Likely benign (1 of 4 stars; one submission).

Allele frequency attached by ClinVar (database versions not stated): 1000 Genomes Project 30x 0.00016; gnomAD 0.00017 and 0.00018; TOPMed 0.00018; 1000 Genomes Project 0.00020; ExAC 0.00031.

Submission:

GeneDx
Classification: Likely benign. Last evaluated: 2018-02-07. Review status: criteria provided, single submitter. Criteria: GeneDx Variant Classification (06012015). Collection method: clinical testing. Allele origin: germline. Affected: yes.
Comment: This variant is considered likely benign or benign based on one or more of the following criteria: it is a conservative change, it occurs at a poorly conserved position in the protein, it is predicted to be benign by multiple in silico algorithms, and/or has population frequency not consistent with disease.